The following is an entry in ClinVar:

ClinVar aggregate classification (germline): Pathogenic. Review status: criteria provided, multiple submitters, no conflicts (2 of 4 stars). 3 submissions from 3 submitters: Pathogenic (2). 1 of the submissions does not count toward it. Last evaluated 2026-05-01.

Conditions:
Cone-rod dystrophy 6 (CORD6). Also called: RETINAL CONE DYSTROPHY 2; Cone dystrophy progressive. Identifiers: Orphanet 1872, MedGen C1866293, MONDO:0011143, OMIM 601777.
Leber congenital amaurosis 1 (LCA1). Also called: Congenital absence of the rods and cones; Leber's congenital tapetoretinal degeneration; Leber's congenital tapetoretinal dysplasia; RETINAL BLINDNESS, CONGENITAL; AMAUROSIS CONGENITA OF LEBER I. Identifiers: Orphanet 65, MedGen C2931258, MONDO:0008764, OMIM 204000.
Leber congenital amaurosis (LCA). Also called: Leber's amaurosis. Identifiers: Orphanet 65, MedGen C0339527, MeSH D057130, MONDO:0018998.

Submissions (3):

Women's Health and Genetics/Laboratory Corporation of America, LabCorp
Classification: Pathogenic for Leber congenital amaurosis. Last evaluated: 2026-05-01. Review status: criteria provided, single submitter. Criteria: LabCorp Variant Classification Summary - May 2015. Collection method: clinical testing. Allele origin: germline.
Comment: Variant summary: GUCY2D c.3037G>A (p.Gly1013Arg) results in a non-conservative amino acid change in the encoded protein sequence. Algorithms developed to predict the effect of missense changes on protein structure and function all suggest that this variant is likely to be disruptive. The frequency data for this variant in gnomAD is considered unreliable, as metrics indicate poor data quality at this position. c.3037G>A has been observed in individuals affected with Leber congenital amaurosis (e.g. Wang_2015, Srikrupa_2018, Internal_testing). These data indicate that the variant is likely to be associated with disease. To our knowledge, no experimental evidence demonstrating an impact on protein function has been reported. A different variant affecting the same codon has been classified as pathogenic (c.3038G>A, p.G1013E), supporting the critical relevance of codon 3037 to GUCY2D protein function. The following publications have been ascertained in the context of this evaluation (PMID: 29068479, 26047050). ClinVar contains an entry for this variant (Variation ID: 974654). To our knowledge, this variant has not been reported in individuals with Cone Rod Dystrophy (CRD). Based on the evidence outlined above, the variant was classified as pathogenic for Leber congenital amaurosis.

Labcorp Genetics (formerly Invitae), Labcorp
Classification: Pathogenic for Leber congenital amaurosis 1; Cone-rod dystrophy 6. Last evaluated: 2021-09-17. Review status: criteria provided, single submitter. Criteria: Invitae Variant Classification Sherloc (09022015). Collection method: clinical testing. Allele origin: germline.
Comment: Algorithms developed to predict the effect of missense changes on protein structure and function (SIFT, PolyPhen-2, Align-GVGD) all suggest that this variant is likely to be disruptive. ClinVar contains an entry for this variant (Variation ID: 974654). This missense change has been observed in individual(s) with Leber congenital amaurosis (PMID: 26047050; Invitae). In at least one individual the data is consistent with the variant being in trans (on the opposite chromosome) from a pathogenic variant. This variant is not present in population databases (ExAC no frequency). This sequence change replaces glycine with arginine at codon 1013 of the GUCY2D protein (p.Gly1013Arg). The glycine residue is highly conserved and there is a moderate physicochemical difference between glycine and arginine. For these reasons, this variant has been classified as Pathogenic. This variant disrupts the p.Gly1013 amino acid residue in GUCY2D. Other variant(s) that disrupt this residue have been determined to be pathogenic (PMID: 28966547, 32165824). This suggests that this residue is clinically significant, and that variants that disrupt this residue are likely to be disease-causing.

Laboratory of Genetics in Ophthalmology, Institut Imagine
Classification: Likely pathogenic for Leber congenital amaurosis 1. Review status: no assertion criteria provided. Collection method: research. Allele origin: inherited. Affected: yes. Observed: 1 variant allele. Not counted in ClinVar's aggregate classification.

Literature cited by the submitters: PubMed 26047050 (cited by Women's Health and Genetics/Laboratory Corporation of America, LabCorp and Labcorp Genetics (formerly Invitae), Labcorp); PubMed 29068479 (cited by Women's Health and Genetics/Laboratory Corporation of America, LabCorp); PubMed 28966547 (cited by Labcorp Genetics (formerly Invitae), Labcorp); PubMed 32165824 (cited by Labcorp Genetics (formerly Invitae), Labcorp); PubMed 27422788 (cited by Laboratory of Genetics in Ophthalmology, Institut Imagine).

NM_000180.4(GUCY2D):c.3037G>A (p.Gly1013Arg)

Gene: GUCY2D (guanylate cyclase 2D, retinal; plus strand). Cytogenetic location: 17p13.1.
Variant type: single nucleotide variant.
Coding change: c.3037G>A on transcript NM_000180.4 (MANE Select); coding-DNA position 3037, G replaced by A.
Protein change: p.Gly1013Arg; replaces glycine 1013 with arginine.
Molecular consequence: missense variant.
Genome position (GRCh38, 1-based): chr17:8,015,835, G>A. VCF-style: chr17-8015835-G-A. GRCh37 (hg19) VCF-style: chr17-7919153-G-A.
Other names: short protein forms G1013R.
Identifiers: ClinVar variation 974654 (VCV000974654.7), dbSNP rs868612148, ClinGen allele CA287534219.